The following is an entry in ClinVar:

ClinVar aggregate classification (germline): Uncertain significance. Review status: criteria provided, multiple submitters, no conflicts (2 of 4 stars). 2 submissions from 2 submitters: Uncertain significance (2). Last evaluated 2025-02-24.

Conditions:
Inborn genetic diseases. Identifiers: MedGen C0950123, MeSH D030342.
Psoriasis 2. Identifiers: MedGen C1864497, MONDO:0011269, OMIM 602723.
Pityriasis rubra pilaris (PRP). Also called: Pityriasis rubra pilaris--familial type. Identifiers: Orphanet 2897, MedGen C0032027, MONDO:0100017, OMIM 173200, MONDO:0008251.

Allele frequency attached by ClinVar (database versions not stated): TOPMed below 0.00001; gnomAD 0.00001 and 0.00002; gnomAD exomes 0.00001.
gnomAD v4.1: 12 of 1,605,146 alleles (0.00075%); highest among the groups gnomAD compares: South Asian, 0.0056%; no homozygotes.

Submissions (2):

Ambry Genetics
Classification: Uncertain significance for Inborn genetic diseases. Last evaluated: 2025-02-24. Review status: criteria provided, single submitter. Criteria: Ambry Variant Classification Scheme 2023. Collection method: clinical testing. Allele origin: germline.

Labcorp Genetics (formerly Invitae), Labcorp
Classification: Uncertain significance for Pityriasis rubra pilaris; Psoriasis 2. Last evaluated: 2024-07-30. Review status: criteria provided, single submitter. Criteria: Invitae Variant Classification Sherloc (09022015). Collection method: clinical testing. Allele origin: germline.
Comment: This sequence change replaces aspartic acid, which is acidic and polar, with asparagine, which is neutral and polar, at codon 991 of the CARD14 protein (p.Asp991Asn). The frequency data for this variant in the population databases is considered unreliable, as metrics indicate poor data quality at this position in the gnomAD database. This variant has not been reported in the literature in individuals affected with CARD14-related conditions. ClinVar contains an entry for this variant (Variation ID: 1444344). Advanced modeling of protein sequence and biophysical properties (such as structural, functional, and spatial information, amino acid conservation, physicochemical variation, residue mobility, and thermodynamic stability) performed at Invitae indicates that this missense variant is not expected to disrupt CARD14 protein function with a negative predictive value of 80%. In summary, the available evidence is currently insufficient to determine the role of this variant in disease. Therefore, it has been classified as a Variant of Uncertain Significance.

NM_001366385.1(CARD14):c.2971G>A (p.Asp991Asn)

Genes: SGSH (N-sulfoglucosamine sulfohydrolase; minus strand), CARD14 (caspase recruitment domain family member 14; plus strand). Cytogenetic location: 17q25.3.
Variant type: single nucleotide variant.
Coding change: c.2971G>A on transcript NM_001366385.1 (MANE Select); coding-DNA position 2971, G replaced by A.
Protein change: p.Asp991Asn; replaces aspartic acid 991 with asparagine.
Molecular consequence: missense variant. On other transcripts: non-coding transcript variant (1).
Genome position (GRCh38, 1-based): chr17:80,208,301, G>A. VCF-style: chr17-80208301-G-A. GRCh37 (hg19) VCF-style: chr17-78182100-G-A.
Other names: c.2971G>A, p.Asp991Asn (NM_024110.4); c.2971G>A (NM_024110.3); short protein forms D991N.
Identifiers: ClinVar variation 1444344 (VCV001444344.7), dbSNP rs377543184, ClinGen allele CA294888708.